The following is an entry in ClinVar:

NM_206933.4(USH2A):c.7673A>T (p.Lys2558Ile)

Gene: USH2A (usherin; minus strand). Cytogenetic location: 1q41.
Variant type: single nucleotide variant.
Coding change: c.7673A>T on transcript NM_206933.4 (MANE Select); coding-DNA position 7673, A replaced by T.
Protein change: p.Lys2558Ile; replaces lysine 2558 with isoleucine.
Molecular consequence: missense variant.
Genome position (GRCh38, 1-based): chr1:215,888,976, T>A on the plus strand (A>T on the coding strand, the complement: USH2A is on the minus strand). VCF-style: chr1-215888976-T-A. GRCh37 (hg19) VCF-style: chr1-216062318-T-A.
Other names: short protein forms K2558I.
Identifiers: ClinVar variation 2170598 (VCV002170598.1), dbSNP rs1319051909, ClinGen allele CA344841161.
Genomic context (GRCh38, chr1:215,888,976, plus strand): 5'-GTTCTCAAGTATAGACGGCCATGTAGATAAATGTTATAATGGGTAATAACCCCATTGGAT[T>A]TTCTAGGATGCTGCCAGGTGACCAACATCATTCTTGACTTCACATCCAGAAGAATCGGAG-3'
Protein context (NP_996816.3, residues 2548-2568): MMLVTWQHPR[Lys2558Ile]SNGVITHYNI

ClinVar aggregate classification (germline): Uncertain significance (1 of 4 stars; one submission).

Allele frequency attached by ClinVar (database versions not stated): gnomAD exomes below 0.00001; TOPMed below 0.00001; gnomAD 0.00001.
gnomAD v4.1: 3 of 1,614,004 alleles (0.00019%); highest among the groups gnomAD compares: Admixed American, 0.0017%; no homozygotes.

Submission:

Labcorp Genetics (formerly Invitae), Labcorp
Classification: Uncertain significance. Last evaluated: 2022-08-12. Review status: criteria provided, single submitter. Criteria: Invitae Variant Classification Sherloc (09022015). Collection method: clinical testing. Allele origin: germline.
Comment: This sequence change replaces lysine, which is basic and polar, with isoleucine, which is neutral and non-polar, at codon 2558 of the USH2A protein (p.Lys2558Ile). This variant is present in population databases (no rsID available, gnomAD 0.004%). This variant has not been reported in the literature in individuals affected with USH2A-related conditions. Algorithms developed to predict the effect of missense changes on protein structure and function (SIFT, PolyPhen-2, Align-GVGD) all suggest that this variant is likely to be disruptive. In summary, the available evidence is currently insufficient to determine the role of this variant in disease. Therefore, it has been classified as a Variant of Uncertain Significance.